The following is an entry in ClinVar:

ClinVar aggregate classification (germline): Benign. Review status: criteria provided, multiple submitters, no conflicts (2 of 4 stars). 5 submissions from 5 submitters: Benign (5). Last evaluated 2026-01-24.

Conditions:
Immunodeficiency 35 (IMD35). Also called: HIES WITH ATYPICAL MYCOBACTERIOSIS, AUTOSOMAL RECESSIVE; HYPER-IgE SYNDROME WITH ATYPICAL MYCOBACTERIOSIS, AUTOSOMAL RECESSIVE; TYK2 DEFICIENCY; Susceptibility to infection due to TYK2 deficiency. Identifiers: Orphanet 331226, MedGen C1969086, MONDO:0012682, OMIM 611521.

Allele frequency attached by ClinVar (database versions not stated): gnomAD exomes 0.00107 and 0.00263; ExAC 0.00318; gnomAD 0.00808 and 0.00844; ESP Exome Variant Server 0.00877; TOPMed 0.00931; 1000 Genomes Project 0.01018; 1000 Genomes Project 30x 0.01046.

Submissions (5):

Labcorp Genetics (formerly Invitae), Labcorp
Classification: Benign for Immunodeficiency 35. Last evaluated: 2026-01-24. Review status: criteria provided, single submitter. Criteria: Invitae Variant Classification Sherloc (09022015). Collection method: clinical testing. Allele origin: germline.

Mayo Clinic Laboratories, Mayo Clinic
Classification: Benign. Last evaluated: 2025-06-06. Review status: criteria provided, single submitter. Criteria: ACMG Guidelines, 2015. Collection method: clinical testing. Allele origin: germline. Observed: 2 variant alleles.
Comment: BS1, BS2, BP4, BP7

Illumina Laboratory Services, Illumina
Classification: Benign for Immunodeficiency 35. Last evaluated: 2018-01-13. Review status: criteria provided, single submitter. Criteria: ICSL Variant Classification Criteria 13 December 2019. Collection method: clinical testing. Allele origin: germline.
Comment: This variant was observed in the ICSL laboratory as part of a predisposition screen in an ostensibly healthy population. It had not been previously curated by ICSL or reported in the Human Gene Mutation Database (HGMD: prior to June 1st, 2018), and was therefore a candidate for classification through an automated scoring system. Utilizing variant allele frequency, disease prevalence and penetrance estimates, and inheritance mode, an automated score was calculated to assess if this variant is too frequent to cause the disease. Based on the score and internal cut-off values, a variant classified as benign is not then subjected to further curation. The score for this variant resulted in a classification of benign for this disease.

GeneDx
Classification: Benign. Last evaluated: 2016-03-18. Review status: criteria provided, single submitter. Criteria: GeneDx Variant Classification (06012015). Collection method: clinical testing. Allele origin: germline. Affected: yes.
Comment: This variant is considered likely benign or benign based on one or more of the following criteria: it is a conservative change, it occurs at a poorly conserved position in the protein, it is predicted to be benign by multiple in silico algorithms, and/or has population frequency not consistent with disease.

Breakthrough Genomics
Classification: Benign. Review status: criteria provided, single submitter. Criteria: ACMG Guidelines, 2015. Collection method: not provided. Allele origin: germline. Inheritance: Autosomal recessive inheritance. Affected: yes.

NM_003331.5(TYK2):c.942C>T (p.His314=)

Gene: TYK2 (tyrosine kinase 2; minus strand). Cytogenetic location: 19p13.2.
Variant type: single nucleotide variant.
Coding change: c.942C>T on transcript NM_003331.5 (MANE Select); coding-DNA position 942, C replaced by T.
Protein change: p.His314=; no amino-acid change (histidine 314 retained).
Molecular consequence: synonymous variant.
Genome position (GRCh38, 1-based): chr19:10,365,586, G>A on the plus strand (C>T on the coding strand, the complement: TYK2 is on the minus strand). VCF-style: chr19-10365586-G-A. GRCh37 (hg19) VCF-style: chr19-10476262-G-A.
Other names: p.His314=; c.942C>T (LRG_121t1).
Identifiers: ClinVar variation 327952 (VCV000327952.17), dbSNP rs12720266, ClinGen allele CA9193578.
Genomic context (GRCh38, chr19:10,365,586, plus strand): 5'-GTTCACCTCCTCCTCTACTGGCCACCACTGGATGCCACCAGTGCCTGTCACCAGCACCTC[G>A]TGGGTTGGGGGCCCAGCAGCAGACTCAGGGCCAGGGTCTGTAGGGGCCACCCCACTGTCC-3'
Protein context (NP_003322.3, residues 304-324): GPESAAGPPT[His314=]EVLVTGTGGI